The following is an entry in ClinVar:

NM_003172.4(SURF1):c.707C>T (p.Ala236Val)

Gene: SURF1 (SURF1 cytochrome c oxidase assembly factor; minus strand). Cytogenetic location: 9q34.2.
Variant type: single nucleotide variant.
Coding change: c.707C>T on transcript NM_003172.4 (MANE Select); coding-DNA position 707, C replaced by T.
Protein change: p.Ala236Val; replaces alanine 236 with valine.
Molecular consequence: missense variant.
Genome position (GRCh38, 1-based): chr9:133,352,490, G>A on the plus strand (C>T on the coding strand, the complement: SURF1 is on the minus strand). VCF-style: chr9-133352490-G-A. GRCh37 (hg19) VCF-style: chr9-136219345-G-A.
Other names: c.380C>T, p.Ala127Val (NM_001280787.1); short protein forms A127V, A236V.
Identifiers: ClinVar variation 2114738 (VCV002114738.1), dbSNP rs1368492782, ClinGen allele CA375693686.

ClinVar aggregate classification (germline): Uncertain significance (1 of 4 stars; one submission).

Conditions:
Leigh syndrome (NULS). Also called: Leigh's syndrome; Leigh's necrotizing encephalopathy; Leigh's disease; Leigh Disease; Subacute necrotizing encephalopathy; Necrotizing encephalopathy infantile subacute of Leigh. Identifiers: Orphanet 506, MedGen C2931891, MONDO:0009723, OMIM 256000.

Allele frequency attached by ClinVar (database versions not stated): TOPMed below 0.00001.

Submission:

Labcorp Genetics (formerly Invitae), Labcorp
Classification: Uncertain significance for Leigh syndrome. Last evaluated: 2022-07-14. Review status: criteria provided, single submitter. Criteria: Invitae Variant Classification Sherloc (09022015). Collection method: clinical testing. Allele origin: germline.
Comment: This sequence change replaces alanine, which is neutral and non-polar, with valine, which is neutral and non-polar, at codon 236 of the SURF1 protein (p.Ala236Val). This variant is not present in population databases (gnomAD no frequency). This variant has not been reported in the literature in individuals affected with SURF1-related conditions. Algorithms developed to predict the effect of missense changes on protein structure and function are either unavailable or do not agree on the potential impact of this missense change (SIFT: "Tolerated"; PolyPhen-2: "Probably Damaging"; Align-GVGD: "Class C0"). In summary, the available evidence is currently insufficient to determine the role of this variant in disease. Therefore, it has been classified as a Variant of Uncertain Significance.